The following is an entry in ClinVar:

ClinVar aggregate classification (germline): Conflicting classifications of pathogenicity. Review status: criteria provided, conflicting classifications (1 of 4 stars). 26 submissions from 21 submitters: Uncertain significance (10); Benign (4); Likely benign (8). 4 of the submissions do not count toward it. Last evaluated 2026-06-01.

Conditions:
TTN-related disorder. Also called: TTN-related condition; TTN-related disease; TTN-related disorders.
Dilated cardiomyopathy 1G (CMD1G). Identifiers: Orphanet 154, MedGen C1858763, MONDO:0011400, OMIM 604145.
Autosomal recessive limb-girdle muscular dystrophy type 2J (LGMDR10). Also called: Limb-girdle muscular dystrophy, type 2J; MUSCULAR DYSTROPHY, LIMB-GIRDLE, AUTOSOMAL RECESSIVE 10. Identifiers: Orphanet 140922, MedGen C1837342, MONDO:0012127, OMIM 608807.
Distal myopathy. Identifiers: Orphanet 599, MedGen C0751336, MONDO:0018949.
Limb-girdle muscular dystrophy (LGMD). Also called: Muscular Dystrophies, Limb-Girdle. Identifiers: Orphanet 263, MedGen C0686353, MeSH D049288, MONDO:0016971, HP:0006785.
Cardiomyopathy (CMYO). Also called: Cardiomyopathies. Identifiers: Orphanet 167848, MedGen C0878544, MONDO:0004994, HP:0001638. Inheritance: Various modes of inheritance.
Early-onset myopathy with fatal cardiomyopathy (CMYO5). Also called: Salih Myopathy; CONGENITAL MYOPATHY 5 WITH CARDIOMYOPATHY. Identifiers: Orphanet 289377, MedGen C2673677, MONDO:0012714, OMIM 611705. Disease mechanism: loss of function.
Myopathy, myofibrillar, 9, with early respiratory failure (MFM9). Also called: Hereditary myopathy with early respiratory failure; Myopathy, distal, with early respiratory failure, autosomal dominant; EDSTROM MYOPATHY; MYOPATHY, PROXIMAL, WITH EARLY RESPIRATORY MUSCLE INVOLVEMENT. Identifiers: Orphanet 178464, Orphanet 34521, MedGen C1863599, MONDO:0011362, OMIM 603689.
Tibial muscular dystrophy (TMD). Also called: Udd Distal Myopathy – Tibial Muscular Dystrophy; Tibial muscular dystrophy, tardive; UDD MYOPATHY. Identifiers: Orphanet 609, MedGen C1838244, MONDO:0010870, OMIM 600334.

Allele frequency attached by ClinVar (database versions not stated): 1000 Genomes Project 0.00020; 1000 Genomes Project 30x 0.00031; ESP Exome Variant Server 0.00100; ExAC 0.00106; gnomAD 0.00116 and 0.00119; TOPMed 0.00118.
gnomAD v4.1: 3,370 of 1,607,984 alleles (0.21%); highest among the groups gnomAD compares: Non-Finnish European, 0.26%; 8 homozygotes.

Submissions 1 to 16 of 26:

CeGaT Center for Human Genetics Tuebingen
Classification: Likely benign. Last evaluated: 2026-06-01. Review status: criteria provided, single submitter. Criteria: CeGaT Center For Human Genetics Tuebingen Variant Classification Criteria Version 2. Collection method: clinical testing. Allele origin: germline. Affected: yes. Observed: 9 variant alleles.
Comment: TTN: BS2

Labcorp Genetics (formerly Invitae), Labcorp
Classification: Likely benign for Dilated cardiomyopathy 1G; Autosomal recessive limb-girdle muscular dystrophy type 2J. Last evaluated: 2026-02-03. Review status: criteria provided, single submitter. Criteria: Invitae Variant Classification Sherloc (09022015). Collection method: clinical testing. Allele origin: germline.

Mayo Clinic Laboratories, Mayo Clinic
Classification: Likely benign. Last evaluated: 2025-10-22. Review status: criteria provided, single submitter. Criteria: ACMG Guidelines, 2015. Collection method: clinical testing. Allele origin: germline. Observed: 12 variant alleles.

Molecular Diagnostic Laboratory for Inherited Cardiovascular Disease, Montreal Heart Institute
Classification: Likely benign. Last evaluated: 2025-04-09. Review status: criteria provided, single submitter. Criteria: ACMG Guidelines, 2015. Collection method: clinical testing. Allele origin: germline. Affected: no.

Blueprint Genetics
Classification: Likely benign. Last evaluated: 2024-11-22. Review status: criteria provided, single submitter. Criteria: ACMG Guidelines, 2015. Collection method: clinical testing. Allele origin: germline.

ARUP Laboratories, Molecular Genetics and Genomics, ARUP Laboratories
Classification: Uncertain significance. Last evaluated: 2024-11-06. Review status: criteria provided, single submitter. Criteria: ARUP Molecular Germline Variant Investigation Process 2024. Collection method: clinical testing. Allele origin: germline.
Comment: The TTN c.20341G>A; p.Glu6781Lys variant (rs72648958; ClinVar Variation ID: 46671) is rare in the general population (<0.2% allele frequency in the Genome Aggregation Database) and has not been reported in the medical literature in association with dilated cardiomyopathy (DCM) or other TTN-related disease. The clinical relevance of rare missense variants in this gene, which are identified on average once per individual sequenced in affected populations (Herman 2012), is not well understood. Yet, evidence suggests that the vast majority of such missense variants do not contribute to the clinical outcome of DCM (Begay 2015). Thus, the clinical significance of the p.Glu6781Lys variant cannot be determined with certainty.

Athena Diagnostics
Classification: Benign. Last evaluated: 2024-07-30. Review status: criteria provided, single submitter. Criteria: Athena Diagnostics Criteria. Collection method: clinical testing. Allele origin: unknown.

Women's Health and Genetics/Laboratory Corporation of America, LabCorp
Classification: Likely benign. Last evaluated: 2021-04-26. Review status: criteria provided, single submitter. Criteria: LabCorp Variant Classification Summary - May 2015. Collection method: clinical testing. Allele origin: germline.
Comment: Variant summary: TTN c.16609G>A (p.Glu5537Lys) results in a conservative amino acid change located in the I-Band region of the encoded protein sequence. Three of five in-silico tools predict a benign effect of the variant on protein function. The variant allele was found at a frequency of 0.001 in 245308 control chromosomes, predominantly at a frequency of 0.0017 within the Non-Finnish European subpopulation in the gnomAD database. The observed variant frequency within Non-Finnish European control individuals in the gnomAD database is approximately 3 fold of the estimated maximal expected allele frequency for a pathogenic variant in TTN causing Cardiomyopathy phenotype (0.00063), strongly suggesting that the variant is a benign polymorphism found primarily in populations of Non-Finnish European origin. c.16609G>A has been reported in the literature in individuals affected with Cardiomyopathy (Campuzano_2015, Mademont-Soler_2017, Mates_2018). These reports do not provide unequivocal conclusions about association of the variant with Cardiomyopathy. To our knowledge, no experimental evidence demonstrating an impact on protein function has been reported. Nine ClinVar submitters (evaluation after 2014) cite the variant as uncertain significance (n=5), likely benign (n=2) and benign (n=2). Based on the evidence outlined above, the variant was classified as likely benign.

GeneDx
Classification: Likely benign. Last evaluated: 2020-09-23. Review status: criteria provided, single submitter. Criteria: GeneDx Variant Classification Process June 2021. Collection method: clinical testing. Allele origin: germline. Affected: yes.
Comment: This variant is associated with the following publications: (PMID: 23396983, 23861362)

Cambridge Genomics Laboratory, East Genomic Laboratory Hub, NHS Genomic Medicine Service
Classification: Uncertain significance for Limb-girdle muscular dystrophy. Last evaluated: 2020-04-29. Review status: criteria provided, single submitter. Criteria: ACGS Best Practice Guidelines for Variant Classification in Rare Disease 2020. Collection method: clinical testing. Allele origin: germline. Affected: yes. Observed: 1 variant allele.

Cambridge Genomics Laboratory, East Genomic Laboratory Hub, NHS Genomic Medicine Service
Classification: Uncertain significance for Distal myopathy. Last evaluated: 2020-01-13. Review status: criteria provided, single submitter. Criteria: ACGS Best Practice Guidelines for Variant Classification in Rare Disease 2020. Collection method: clinical testing. Allele origin: germline. Affected: yes. Observed: 1 variant allele.

CHEO Genetics Diagnostic Laboratory, Children's Hospital of Eastern Ontario
Classification: Benign for Cardiomyopathy. Last evaluated: 2019-07-09. Review status: criteria provided, single submitter. Criteria: ACMG Guidelines, 2015. Collection method: clinical testing. Allele origin: germline.

Eurofins Ntd Llc (ga)
Classification: Uncertain significance. Last evaluated: 2018-08-30. Review status: criteria provided, single submitter. Criteria: EGL ClinVar v180209 classification definitions. Collection method: clinical testing. Allele origin: germline. Observed: 28 variant alleles, 26 heterozygotes.

Baylor Genetics
Classification: Uncertain significance for Myopathy, myofibrillar, 9, with early respiratory failure. Last evaluated: 2018-01-18. Review status: criteria provided, single submitter. Criteria: ACMG Guidelines, 2015. Collection method: clinical testing. Allele origin: maternal. Affected: yes.
Comment: This variant was determined to be of uncertain significance according to ACMG Guidelines, 2015 [PMID:25741868].

Illumina Laboratory Services, Illumina
Classification: Benign for Tibial muscular dystrophy. Last evaluated: 2017-04-27. Review status: criteria provided, single submitter. Criteria: ICSL Variant Classification Criteria 13 December 2019. Collection method: clinical testing. Allele origin: germline.
Comment: This variant was observed as part of a predisposition screen in an ostensibly healthy population. A literature search was performed for the gene, cDNA change, and amino acid change (where applicable). No publications were found based on this search. Allele frequency data from public databases was too high to be consistent with this variant causing disease. Therefore, this variant is classified as benign.

Illumina Laboratory Services, Illumina
Classification: Uncertain significance for Dilated cardiomyopathy 1G. Last evaluated: 2017-04-27. Review status: criteria provided, single submitter. Criteria: ICSL Variant Classification Criteria 13 December 2019. Collection method: clinical testing. Allele origin: germline.

NM_001267550.2(TTN):c.20341G>A (p.Glu6781Lys)

Gene: TTN (titin; minus strand). Cytogenetic location: 2q31.2.
Variant type: single nucleotide variant.
Coding change: c.20341G>A on transcript NM_001267550.2 (MANE Select); coding-DNA position 20341, G replaced by A.
Protein change: p.Glu6781Lys; replaces glutamic acid 6781 with lysine.
Molecular consequence: missense variant. On other transcripts: intron variant (3).
Genome position (GRCh38, 1-based): chr2:178,725,981, C>T on the plus strand (G>A on the coding strand, the complement: TTN is on the minus strand). VCF-style: chr2-178725981-C-T. GRCh37 (hg19) VCF-style: chr2-179590708-C-T.
Other names: p.E6464K:GAA>AAA; c.19390G>A, p.Glu6464Lys (NM_001256850.1); c.16609G>A, p.Glu5537Lys (NM_133378.4); c.13282+12101G>A (NM_003319.4); c.13858+12101G>A (NM_133437.4); c.13657+12101G>A (NM_133432.3); short protein forms E6781K, E5537K, E6464K.
Identifiers: ClinVar variation 46671 (VCV000046671.96), dbSNP rs72648958, ClinGen allele CA138917.